The following is an entry in ClinVar:

NM_000642.3(AGL):c.1768G>A (p.Gly590Ser)

Gene: AGL (amylo-alpha-1,6-glucosidase and 4-alpha-glucanotransferase; plus strand). Cytogenetic location: 1p21.2.
Variant type: single nucleotide variant.
Coding change: c.1768G>A on transcript NM_000642.3 (MANE Select); coding-DNA position 1768, G replaced by A.
Protein change: p.Gly590Ser; replaces glycine 590 with serine.
Molecular consequence: missense variant.
Genome position (GRCh38, 1-based): chr1:99,880,664, G>A. VCF-style: chr1-99880664-G-A. GRCh37 (hg19) VCF-style: chr1-100346220-G-A.
Other names: c.1768G>A, p.Gly590Ser (NM_000028.3, NM_001425325.1, NM_001425326.1 and 2 more transcripts); c.1567G>A, p.Gly523Ser (NM_001425327.1); c.1564G>A, p.Gly522Ser (NM_001425328.1, NM_001425329.1); c.1390G>A, p.Gly464Ser (NM_001425332.1); c.1720G>A, p.Gly574Ser (NM_000646.3); short protein forms G574S, G590S, G464S, G522S, G523S.
Identifiers: ClinVar variation 949626 (VCV000949626.10), dbSNP rs1651935929, ClinGen allele CA341316407.

ClinVar aggregate classification (germline): Uncertain significance. Review status: criteria provided, single submitter (1 of 4 stars). 2 submissions from 2 submitters: Uncertain significance (1). 1 of the submissions does not count toward it. Last evaluated 2021-08-26.

Conditions:
Glycogen storage disease type III (GSD3). Also called: Cori disease; FORBES DISEASE. Identifiers: Orphanet 366, MedGen C0017922, MONDO:0009291, OMIM 232400.

Allele frequency attached by ClinVar (database versions not stated): gnomAD exomes below 0.00001.
gnomAD v4.1: 1 of 1,613,946 alleles (0.000062%); highest among the groups gnomAD compares: Non-Finnish European, 0.000085%; no homozygotes.

Submissions (2):

Labcorp Genetics (formerly Invitae), Labcorp
Classification: Uncertain significance for Glycogen storage disease type III. Last evaluated: 2021-08-26. Review status: criteria provided, single submitter. Criteria: Invitae Variant Classification Sherloc (09022015). Collection method: clinical testing. Allele origin: germline.
Comment: This sequence change replaces glycine with serine at codon 590 of the AGL protein (p.Gly590Ser). The glycine residue is moderately conserved and there is a small physicochemical difference between glycine and serine. This variant is not present in population databases (ExAC no frequency). This variant has not been reported in the literature in individuals affected with AGL-related conditions. Algorithms developed to predict the effect of missense changes on protein structure and function are either unavailable or do not agree on the potential impact of this missense change (SIFT: "Tolerated"; PolyPhen-2: "Probably Damaging"; Align-GVGD: "Class C0"). In summary, the available evidence is currently insufficient to determine the role of this variant in disease. Therefore, it has been classified as a Variant of Uncertain Significance.

Natera, Inc.
Classification: Uncertain significance for Glycogen storage disease type III. Last evaluated: 2020-12-22. Review status: no assertion criteria provided. Collection method: clinical testing. Allele origin: germline. Not counted in ClinVar's aggregate classification.